The following is an entry in ClinVar:

NM_005908.4(MANBA):c.935G>C (p.Gly312Ala)

Gene: MANBA (mannosidase beta; minus strand). Cytogenetic location: 4q24.
Variant type: single nucleotide variant.
Coding change: c.935G>C on transcript NM_005908.4 (MANE Select); coding-DNA position 935, G replaced by C.
Protein change: p.Gly312Ala; replaces glycine 312 with alanine.
Molecular consequence: missense variant.
Genome position (GRCh38, 1-based): chr4:102,689,599, C>G on the plus strand (G>C on the coding strand, the complement: MANBA is on the minus strand). VCF-style: chr4-102689599-C-G. GRCh37 (hg19) VCF-style: chr4-103610756-C-G.
Other names: short protein forms G312A.
Identifiers: ClinVar variation 1046254 (VCV001046254.4), dbSNP rs1483686622, ClinGen allele CA357768672.

ClinVar aggregate classification (germline): Uncertain significance (1 of 4 stars; one submission).

Conditions:
Beta-D-mannosidosis (MANSB). Also called: Beta-Mannosidosis; MANNOSIDOSIS, BETA A, LYSOSOMAL; BETA-MANNOSIDASE DEFICIENCY; LYSOSOMAL BETA-MANNOSIDASE DEFICIENCY. Identifiers: Orphanet 118, MedGen C4048196, MONDO:0009562, OMIM 248510.

Allele frequency attached by ClinVar (database versions not stated): gnomAD exomes 0.00001.
gnomAD v4.1: 3 of 1,604,370 alleles (0.00019%); highest among the groups gnomAD compares: East Asian, 0.0067%; no homozygotes.

Submission:

Labcorp Genetics (formerly Invitae), Labcorp
Classification: Uncertain significance for Beta-D-mannosidosis. Last evaluated: 2025-11-03. Review status: criteria provided, single submitter. Criteria: Invitae Variant Classification Sherloc (09022015). Collection method: clinical testing. Allele origin: germline.
Comment: This sequence change replaces glycine, which is neutral and non-polar, with alanine, which is neutral and non-polar, at codon 312 of the MANBA protein (p.Gly312Ala). This variant is present in population databases (no rsID available, gnomAD 0.01%). This variant has not been reported in the literature in individuals affected with MANBA-related conditions. ClinVar contains an entry for this variant (Variation ID: 1046254). Invitae Evidence Modeling of protein sequence and biophysical properties (such as structural, functional, and spatial information, amino acid conservation, physicochemical variation, residue mobility, and thermodynamic stability) indicates that this missense variant is not expected to disrupt MANBA protein function with a negative predictive value of 80%. In summary, the available evidence is currently insufficient to determine the role of this variant in disease. Therefore, it has been classified as a Variant of Uncertain Significance.